The following is an entry in ClinVar:

NM_001655.5(ARCN1):c.299A>G (p.Asn100Ser)

Gene: ARCN1 (archain 1 coat protein complex I subunit delta; plus strand). Cytogenetic location: 11q23.3.
Variant type: single nucleotide variant.
Coding change: c.299A>G on transcript NM_001655.5 (MANE Select); coding-DNA position 299, A replaced by G.
Protein change: p.Asn100Ser; replaces asparagine 100 with serine.
Molecular consequence: missense variant.
Genome position (GRCh38, 1-based): chr11:118,583,210, A>G. VCF-style: chr11-118583210-A-G. GRCh37 (hg19) VCF-style: chr11-118453925-A-G.
Other names: c.35A>G, p.Asn12Ser (NM_001142281.2); short protein forms N100S, N12S.
Identifiers: ClinVar variation 2000601 (VCV002000601.4), dbSNP rs2497681810, ClinGen allele CA382803964.

ClinVar aggregate classification (germline): Uncertain significance (1 of 4 stars; one submission).

Submission:

Labcorp Genetics (formerly Invitae), Labcorp
Classification: Uncertain significance. Last evaluated: 2022-11-01. Review status: criteria provided, single submitter. Criteria: Invitae Variant Classification Sherloc (09022015). Collection method: clinical testing. Allele origin: germline.
Comment: This variant has not been reported in the literature in individuals affected with ARCN1-related conditions. In summary, the available evidence is currently insufficient to determine the role of this variant in disease. Therefore, it has been classified as a Variant of Uncertain Significance. Algorithms developed to predict the effect of missense changes on protein structure and function (SIFT, PolyPhen-2, Align-GVGD) all suggest that this variant is likely to be tolerated. This variant is not present in population databases (gnomAD no frequency). This sequence change replaces asparagine, which is neutral and polar, with serine, which is neutral and polar, at codon 100 of the ARCN1 protein (p.Asn100Ser).